The following is an entry in ClinVar:

NM_021076.4(NEFH):c.2308G>T (p.Ala770Ser)

Gene: NEFH (neurofilament heavy chain; plus strand). Cytogenetic location: 22q12.2.
Variant type: single nucleotide variant.
Coding change: c.2308G>T on transcript NM_021076.4 (MANE Select); coding-DNA position 2308, G replaced by T.
Protein change: p.Ala770Ser; replaces alanine 770 with serine.
Molecular consequence: missense variant.
Genome position (GRCh38, 1-based): chr22:29,489,948, G>T. VCF-style: chr22-29489948-G-T. GRCh37 (hg19) VCF-style: chr22-29885937-G-T.
Other names: short protein forms A770S.
Identifiers: ClinVar variation 4976107 (VCV004976107.1).
Genomic context (GRCh38, chr22:29,489,948, plus strand): 5'-GCCAAGTCCCCAGAGAAGGCCAAGACTCTTGATGTGAAGTCTCCAGAAGCCAAGACTCCA[G>T]CGAAGGAGGAAGCAAGGTCCCCTGCAGACAAATTCCCTGAAAAGGCCAAAAGCCCTGTCA-3'
Protein context (NP_066554.2, residues 760-780): DVKSPEAKTP[Ala770Ser]KEEARSPADK

ClinVar aggregate classification (germline): Uncertain significance (1 of 4 stars; one submission).

Submission:

GeneDx
Classification: Uncertain significance. Last evaluated: 2026-02-03. Review status: criteria provided, single submitter. Criteria: GeneDx Variant Classification Process June 2021. Collection method: clinical testing. Allele origin: germline.
Comment: Not observed at significant frequency in large population cohorts (gnomAD); In silico analysis suggests that this missense variant does not alter protein structure/function; Has not been previously published as pathogenic or benign to our knowledge